The following is an entry in ClinVar:

NM_000321.3(RB1):c.-162A>T

Gene: RB1 (RB transcriptional corepressor 1; plus strand). Cytogenetic location: 13q14.2.
Variant type: single nucleotide variant.
Coding change: c.-162A>T on transcript NM_000321.3 (MANE Select); 162 bases upstream of the start codon, A replaced by T.
Molecular consequence: 5 prime UTR variant.
Genome position (GRCh38, 1-based): chr13:48,303,751, A>T. VCF-style: chr13-48303751-A-T. GRCh37 (hg19) VCF-style: chr13-48877887-A-T.
Other names: c.-162A>T (NM_001407165.1, NM_001407166.1, NM_001407167.1).
Identifiers: ClinVar variation 3710336 (VCV003710336.2).

ClinVar aggregate classification (germline): Uncertain significance (1 of 4 stars; one submission).

Conditions:
Retinoblastoma (RB1). Also called: RETINOBLASTOMA, SOMATIC. Identifiers: Orphanet 790, MedGen C0035335, MeSH D012175, MONDO:0008380, OMIM 180200, HP:0009919. Disease mechanism: loss of function. Inheritance: Both sporadic and heritable forms are tested..

gnomAD v4.1: 46 of 1,133,012 alleles (0.0041%); highest among the groups gnomAD compares: Non-Finnish European, 0.0055%; no homozygotes.

Submission:

Labcorp Genetics (formerly Invitae), Labcorp
Classification: Uncertain significance for Retinoblastoma. Last evaluated: 2025-10-19. Review status: criteria provided, single submitter. Criteria: Invitae Variant Classification Sherloc (09022015). Collection method: clinical testing. Allele origin: germline.
Comment: This variant occurs in a non-coding region of the RB1 gene. It does not change the encoded amino acid sequence of the RB1 protein. This variant is present in population databases (no rsID available, gnomAD 0.007%). This variant has not been reported in the literature in individuals affected with RB1-related conditions. ClinVar contains an entry for this variant (Variation ID: 3710336). In summary, the available evidence is currently insufficient to determine the role of this variant in disease. Therefore, it has been classified as a Variant of Uncertain Significance.